The following is an entry in ClinVar:

ClinVar aggregate classification (germline): Pathogenic (1 of 4 stars; one submission).

Conditions:
Familial cancer of breast. Also called: BREAST CANCER, FAMILIAL; hereditary breast carcinoma; Hereditary breast cancer. Identifiers: Orphanet 227535, MedGen C0346153, MONDO:0016419, OMIM 114480. Disease mechanism: loss of function.

Submission:

Myriad Genetics, Inc.
Classification: Pathogenic for Familial cancer of breast. Last evaluated: 2023-06-21. Review status: criteria provided, single submitter. Criteria: Myriad Autosomal Dominant, Autosomal Recessive and X-Linked Classification Criteria (2023). Collection method: clinical testing. Allele origin: unknown.
Comment: This variant is considered pathogenic. This variant creates a frameshift predicted to result in premature protein truncation.

NM_032043.3(BRIP1):c.106_107insG (p.Leu36fs)

Gene: BRIP1 (BRCA1 interacting DNA helicase 1; minus strand). Cytogenetic location: 17q23.2.
Variant type: Insertion.
Coding change: c.106_107insG on transcript NM_032043.3 (MANE Select); coding-DNA positions 106 to 107, G inserted.
Protein change: p.Leu36fs; shifts the reading frame from leucine 36.
Molecular consequence: frameshift variant.
Genome position: GRCh38 VCF-style: chr17-61859894-A-AC. GRCh37 (hg19) VCF-style: chr17-59937255-A-AC.
Other names: short protein forms L36fs.
Identifiers: ClinVar variation 2583850 (VCV002583850.2), dbSNP rs2545473339, ClinGen allele CA2582342261.
Genomic context (GRCh38, chr17:61,859,894, plus strand): 5'-AAGGCTAAGCTTTTTCCACTTCCTGTGGGACTCTCCAACAAACAATGTTGCTTGCTGTTT[A>AC]ATCCTCTGAGAATCTATGAACACAGAAACCAATGAAAATAATAAACATATTAACTTTATA-3'